The following is an entry in ClinVar:

Conditions:
Breast-ovarian cancer, familial, susceptibility to, 1 (BROVCA1). Also called: BRCA1 Hereditary Breast and Ovarian Cancer; OVARIAN CANCER, SUSCEPTIBILITY TO. Identifiers: Orphanet 145, MedGen C2676676, MONDO:0011450, OMIM 604370. Disease mechanism: loss of function.

Submission:

Brotman Baty Institute, University of Washington
No classification provided (evidence only). Condition: Breast-ovarian cancer, familial 1. Review status: no classification provided. Collection method: in vitro. Allele origin: not applicable. Functional consequence: functionally_normal.
ClinVar note: "not provided" was previously submitted as the classification for the variant. However, the classification appeared to be based only on an observation of functional data so it was converted to no classification on 2025-07-30.

NM_007294.4(BRCA1):c.5012A>C (p.Lys1671Thr)

Gene: BRCA1 (BRCA1 DNA repair associated; minus strand). Cytogenetic location: 17q21.31.
Variant type: single nucleotide variant.
Coding change: c.5012A>C on transcript NM_007294.4 (MANE Select); coding-DNA position 5012, A replaced by C.
Protein change: p.Lys1671Thr; replaces lysine 1671 with threonine.
Molecular consequence: missense variant. On other transcripts: non-coding transcript variant (1).
Genome position (GRCh38, 1-based): chr17:43,067,670, T>G on the plus strand (A>C on the coding strand, the complement: BRCA1 is on the minus strand). VCF-style: chr17-43067670-T-G. GRCh37 (hg19) VCF-style: chr17-41219687-T-G.
Other names: c.4673A>C, p.Lys1558Thr (NM_001407957.1, NM_001407958.1, NM_001407956.1); c.4631A>C, p.Lys1544Thr (NM_001407959.1); c.4628A>C, p.Lys1543Thr (NM_001407960.1, NM_001407962.1); c.4625A>C, p.Lys1542Thr (NM_001407963.1); c.1703A>C, p.Lys568Thr (NM_001407974.1, NM_001407975.1, NM_001407976.1 and 3 more transcripts); c.1700A>C, p.Lys567Thr (NM_001407979.1, NM_001407980.1, NM_001407981.1 and 13 more transcripts); c.1697A>C, p.Lys566Thr (NM_001408397.1, NM_001408398.1, NM_001408399.1 and 8 more transcripts); c.1694A>C, p.Lys565Thr (NM_001408406.1, NM_001408407.1, NM_001408408.1); and 70 more; short protein forms K1692T, K1671T, K567T, K1624T, K1502T, K1517T, K1543T, K1582T.
Identifiers: ClinVar variation 868524 (VCV000868524.3), dbSNP rs2052181606, ClinGen allele CA10591495.